The following is an entry in ClinVar:

NM_001448.3(GPC4):c.1513C>T (p.Gln505Ter)

Gene: GPC4 (glypican 4; minus strand). Cytogenetic location: Xq26.2.
Variant type: single nucleotide variant.
Coding change: c.1513C>T on transcript NM_001448.3 (MANE Select); coding-DNA position 1513, C replaced by T.
Protein change: p.Gln505Ter; replaces glutamine 505 with a stop codon.
Molecular consequence: nonsense.
Genome position (GRCh38, 1-based): chrX:133,303,025, G>A on the plus strand (C>T on the coding strand, the complement: GPC4 is on the minus strand). VCF-style: chrX-133303025-G-A. GRCh37 (hg19) VCF-style: chrX-132437053-G-A.
Other names: short protein forms Q505*.
Identifiers: ClinVar variation 4813675 (VCV004813675.1).

ClinVar aggregate classification (germline): Likely pathogenic (0 of 4 stars; one submission).

Conditions:
Keipert syndrome (KPTS). Identifiers: Orphanet 2662, MedGen C1850627, MONDO:0009720, OMIM 301026.

Submission:

Clinical Genetics Lab, Heritas
Classification: Likely pathogenic for Keipert syndrome. Last evaluated: 2026-03-05. Review status: no assertion criteria provided. Collection method: clinical testing. Allele origin: germline. Inheritance: X-linked recessive inheritance. Affected: yes. Observed: 1 variant allele, 1 hemizygote.
Comment: A hemizygous nonsense variant in the last exon of GPC4 (c.1513C>T; p.Gln505Ter) introduces a premature termination codon. The variant is absent from population databases and has not been previously reported. Although located in the final exon, functional studies of nearby truncating variants associated with Keipert syndrome have demonstrated nonsense-mediated decay and loss of critical glycosylation sites. Therefore, this variant is predicted to cause loss of function of GPC4, which is consistent with the highly specific phenotype observed in the patient.